The following is an entry in ClinVar:

ClinVar aggregate classification (germline): Uncertain significance. Review status: criteria provided, multiple submitters, no conflicts (2 of 4 stars). 2 submissions from 2 submitters: Uncertain significance (2). Last evaluated 2025-09-01.

Conditions:
Fibrous dysplasia of jaw (CRBM). Also called: Cherubism. Identifiers: Orphanet 184, MedGen C0008029, MONDO:0007315, OMIM 118400.
Inborn genetic diseases. Identifiers: MedGen C0950123, MeSH D030342.

Allele frequency attached by ClinVar (database versions not stated): TOPMed below 0.00001.
gnomAD v4.1: 4 of 1,614,054 alleles (0.00025%); highest among the groups gnomAD compares: Non-Finnish European, 0.00025%; no homozygotes.

Submissions (2):

Ambry Genetics
Classification: Uncertain significance for Inborn genetic diseases. Last evaluated: 2025-09-01. Review status: criteria provided, single submitter. Criteria: Ambry Variant Classification Scheme 2023. Collection method: clinical testing. Allele origin: germline.

Labcorp Genetics (formerly Invitae), Labcorp
Classification: Uncertain significance for Fibrous dysplasia of jaw. Last evaluated: 2025-03-20. Review status: criteria provided, single submitter. Criteria: Invitae Variant Classification Sherloc (09022015). Collection method: clinical testing. Allele origin: germline.
Comment: This sequence change replaces arginine, which is basic and polar, with leucine, which is neutral and non-polar, at codon 56 of the SH3BP2 protein (p.Arg56Leu). This variant is present in population databases (no rsID available, gnomAD 0.0009%). This variant has not been reported in the literature in individuals affected with SH3BP2-related conditions. ClinVar contains an entry for this variant (Variation ID: 3012383). Invitae Evidence Modeling of protein sequence and biophysical properties (such as structural, functional, and spatial information, amino acid conservation, physicochemical variation, residue mobility, and thermodynamic stability) indicates that this missense variant is not expected to disrupt SH3BP2 protein function with a negative predictive value of 95%. In summary, the available evidence is currently insufficient to determine the role of this variant in disease. Therefore, it has been classified as a Variant of Uncertain Significance.

NM_001122681.2(SH3BP2):c.167G>T (p.Arg56Leu)

Gene: SH3BP2 (SH3 domain binding protein 2; plus strand). Cytogenetic location: 4p16.3.
Variant type: single nucleotide variant.
Coding change: c.167G>T on transcript NM_001122681.2 (MANE Select); coding-DNA position 167, G replaced by T.
Protein change: p.Arg56Leu; replaces arginine 56 with leucine.
Molecular consequence: missense variant.
Genome position (GRCh38, 1-based): chr4:2,822,965, G>T. VCF-style: chr4-2822965-G-T. GRCh37 (hg19) VCF-style: chr4-2824692-G-T.
Other names: c.251G>T, p.Arg84Leu (NM_001145855.2); c.338G>T, p.Arg113Leu (NM_001145856.2); c.167G>T, p.Arg56Leu (NM_003023.4); short protein forms R113L, R56L, R84L.
Identifiers: ClinVar variation 3012383 (VCV003012383.4), dbSNP rs779608979, ClinGen allele CA91404333.
Genomic context (GRCh38, chr4:2,822,965, plus strand): 5'-TCACCTTCCTGCCCTTGCCACCTCCCACAGGGCCCCTGCGCTTTGTCATCATCCACAAAC[G>T]CTGCGTCTACTACTTCAAGAGTAGCACCTCTGCCTCCCCGCAGGGCGCCTTCTCCCTGAG-3'
Protein context (NP_001116153.1, residues 46-66): WPLRFVIIHK[Arg56Leu]CVYYFKSSTS